The following is an entry in ClinVar:

ClinVar aggregate classification (germline): Uncertain significance. Review status: criteria provided, multiple submitters, no conflicts (2 of 4 stars). 2 submissions from 2 submitters: Uncertain significance (2). Last evaluated 2024-01-17.

Conditions:
Breast-ovarian cancer, familial, susceptibility to, 4. Identifiers: Orphanet 145, MedGen C3280345, MONDO:0013669, OMIM 614291.
Hereditary cancer-predisposing syndrome. Also called: Neoplastic Syndromes, Hereditary; Tumor predisposition; Hereditary Cancer Syndrome; Hereditary neoplastic syndrome. Identifiers: Orphanet 140162, MedGen C0027672, MeSH D009386, MONDO:0015356.

Submissions (2):

Labcorp Genetics (formerly Invitae), Labcorp
Classification: Uncertain significance for Breast-ovarian cancer, familial, susceptibility to, 4. Last evaluated: 2024-01-17. Review status: criteria provided, single submitter. Criteria: Invitae Variant Classification Sherloc (09022015). Collection method: clinical testing. Allele origin: germline.
Comment: This sequence change replaces glycine, which is neutral and non-polar, with aspartic acid, which is acidic and polar, at codon 218 of the RAD51D protein (p.Gly218Asp). This variant is not present in population databases (gnomAD no frequency). This missense change has been observed in individual(s) with ovarian cancer (PMID: 26261251). ClinVar contains an entry for this variant (Variation ID: 919068). Advanced modeling of protein sequence and biophysical properties (such as structural, functional, and spatial information, amino acid conservation, physicochemical variation, residue mobility, and thermodynamic stability) performed at Invitae indicates that this missense variant is not expected to disrupt RAD51D protein function with a negative predictive value of 80%. In summary, the available evidence is currently insufficient to determine the role of this variant in disease. Therefore, it has been classified as a Variant of Uncertain Significance.

Color Diagnostics, LLC DBA Color Health
Classification: Uncertain significance for Hereditary cancer-predisposing syndrome. Last evaluated: 2019-10-18. Review status: criteria provided, single submitter. Criteria: ACMG Guidelines, 2015. Collection method: clinical testing. Allele origin: germline.
Comment: This missense variant replaces glycine with aspartic acid at codon 218 of the RAD51D protein. Computational prediction suggests that this variant may not impact protein structure and function (internally defined REVEL score threshold <= 0.5, PMID: 27666373). Splice site prediction tools suggest that this variant may not impact RNA splicing. To our knowledge, functional studies have not been performed for this variant. This variant has been reported in 1 individual affected with ovarian cancer (PMID: 26261251). This variant has not been identified in the general population by the Genome Aggregation Database (gnomAD). The available evidence is insufficient to determine the role of this variant in disease conclusively. Therefore, this variant is classified as a Variant of Uncertain Significance.

Literature cited by the submitters: PubMed 26261251 (cited by Labcorp Genetics (formerly Invitae), Labcorp).

NM_002878.4(RAD51D):c.653G>A (p.Gly218Asp)

Genes: RAD51D (RAD51 paralog D; minus strand), RAD51L3-RFFL (RAD51L3-RFFL readthrough; minus strand). Cytogenetic location: 17q12.
Variant type: single nucleotide variant.
Coding change: c.653G>A on transcript NM_002878.4 (MANE Select); coding-DNA position 653, G replaced by A.
Protein change: p.Gly218Asp; replaces glycine 218 with aspartic acid.
Molecular consequence: missense variant. On other transcripts: non-coding transcript variant (3).
Genome position (GRCh38, 1-based): chr17:35,103,468, C>T on the plus strand (G>A on the coding strand, the complement: RAD51D is on the minus strand). VCF-style: chr17-35103468-C-T. GRCh37 (hg19) VCF-style: chr17-33430487-C-T.
Other names: c.713G>A, p.Gly238Asp (NM_001142571.2); c.317G>A, p.Gly106Asp (NM_133629.3); short protein forms G238D, G106D, G218D.
Identifiers: ClinVar variation 919068 (VCV000919068.6), dbSNP rs2091563809, ClinGen allele CA399087857.